The following is an entry in ClinVar:

NM_000264.5(PTCH1):c.2886A>T (p.Arg962Ser)

Gene: PTCH1 (patched 1; minus strand). Cytogenetic location: 9q22.32.
Variant type: single nucleotide variant.
Coding change: c.2886A>T on transcript NM_000264.5 (MANE Select); coding-DNA position 2886, A replaced by T.
Protein change: p.Arg962Ser; replaces arginine 962 with serine.
Molecular consequence: missense variant. On other transcripts: non-coding transcript variant (1).
Genome position (GRCh38, 1-based): chr9:95,459,601, T>A on the plus strand (A>T on the coding strand, the complement: PTCH1 is on the minus strand). VCF-style: chr9-95459601-T-A. GRCh37 (hg19) VCF-style: chr9-98221883-T-A.
Other names: c.2688A>T, p.Arg896Ser (NM_001083602.3); c.2883A>T, p.Arg961Ser (NM_001083603.3); c.2433A>T, p.Arg811Ser (NM_001083604.3, NM_001083605.3, NM_001083606.3 and 1 more transcripts); c.2730A>T, p.Arg910Ser (NM_001354918.2); short protein forms R961S, R962S, R896S, R811S, R910S.
Identifiers: ClinVar variation 3427312 (VCV003427312.1).

ClinVar aggregate classification (germline): Uncertain significance (1 of 4 stars; one submission).

Conditions:
Hereditary cancer-predisposing syndrome. Also called: Neoplastic Syndromes, Hereditary; Tumor predisposition; Hereditary Cancer Syndrome; Hereditary neoplastic syndrome. Identifiers: Orphanet 140162, MedGen C0027672, MeSH D009386, MONDO:0015356.

Submission:

Ambry Genetics
Classification: Uncertain significance for Hereditary cancer-predisposing syndrome. Last evaluated: 2024-10-30. Review status: criteria provided, single submitter. Criteria: Ambry Variant Classification Scheme 2023. Collection method: clinical testing. Allele origin: germline.
Comment: The p.R962S variant (also known as c.2886A>T), located in coding exon 17 of the PTCH1 gene, results from an A to T substitution at nucleotide position 2886. The arginine at codon 962 is replaced by serine, an amino acid with dissimilar properties. This amino acid position is conserved. In addition, the in silico prediction for this alteration is inconclusive. Based on the available evidence, the clinical significance of this variant remains unclear.